The following is an entry in ClinVar:

NM_000254.3(MTR):c.*1350A>G

Gene: MTR (5-methyltetrahydrofolate-homocysteine methyltransferase; plus strand). Cytogenetic location: 1q43.
Variant type: single nucleotide variant.
Coding change: c.*1350A>G on transcript NM_000254.3 (MANE Select); 1350 bases downstream of the stop codon, A replaced by G.
Molecular consequence: 3 prime UTR variant.
Genome position (GRCh38, 1-based): chr1:236,898,994, A>G. VCF-style: chr1-236898994-A-G. GRCh37 (hg19) VCF-style: chr1-237062294-A-G.
Other names: c.*1350A>G (NM_001291939.1, NM_001291940.2).
Identifiers: ClinVar variation 874789 (VCV000874789.4), dbSNP rs114316012, ClinGen allele CA39768012.

ClinVar aggregate classification (germline): Benign (1 of 4 stars; one submission).

Conditions:
Disorders of Intracellular Cobalamin Metabolism. Identifiers: MedGen CN043592.

Allele frequency attached by ClinVar (database versions not stated): gnomAD 0.00415 and 0.00443; TOPMed 0.00490; 1000 Genomes Project 0.00499; 1000 Genomes Project 30x 0.00547.

Submission:

Illumina Laboratory Services, Illumina
Classification: Benign for Disorders of Intracellular Cobalamin Metabolism. Last evaluated: 2018-01-12. Review status: criteria provided, single submitter. Criteria: ICSL Variant Classification Criteria 13 December 2019. Collection method: clinical testing. Allele origin: germline.
Comment: This variant was observed in the ICSL laboratory as part of a predisposition screen in an ostensibly healthy population. It had not been previously curated by ICSL or reported in the Human Gene Mutation Database (HGMD: prior to June 1st, 2018), and was therefore a candidate for classification through an automated scoring system. Utilizing variant allele frequency, disease prevalence and penetrance estimates, and inheritance mode, an automated score was calculated to assess if this variant is too frequent to cause the disease. Based on the score and internal cut-off values, a variant classified as benign is not then subjected to further curation. The score for this variant resulted in a classification of benign for this disease.